The following is an entry in ClinVar:

NM_000138.5(FBN1):c.4149_4154del (p.Met1384_Gly1385del)

Gene: FBN1 (fibrillin 1; minus strand). Cytogenetic location: 15q21.1.
Variant type: Deletion.
Coding change: c.4149_4154del on transcript NM_000138.5 (MANE Select); coding-DNA positions 4149 to 4154, 6 bases deleted (CATGGG; older notation c.4149_4154delCATGGG).
Protein change: p.Met1384_Gly1385del.
Molecular consequence: inframe deletion. On other transcripts: inframe indel (1).
Genome position (GRCh38, 1-based): chr15:48,474,311-48,474,316, CCCATG deleted on the plus strand (CATGGG on the coding strand, the reverse complement: FBN1 is on the minus strand). VCF-style (leftmost placement, unchanged base first): chr15-48474310-TCCCATG-T. GRCh37 (hg19) VCF-style: chr15-48766507-TCCCATG-T.
Other names: NM_000138.5:c.4149_4154del; c.4149_4154delCATGGG, p.Met1384_Gly1385del (NM_001406716.1).
Identifiers: ClinVar variation 2413170 (VCV002413170.4), dbSNP rs2505517602, ClinGen allele CA915940949.

ClinVar aggregate classification (germline): Pathogenic (3 of 4 stars; one submission).

Conditions:
Marfan syndrome (MFS). Also called: MARFAN SYNDROME, TYPE I; FBN1-Related Marfan Syndrome; Marfan syndrome type 1; Marfan's syndrome; Marfan syndrome, classic. Identifiers: Orphanet 284963, Orphanet 558, MedGen C0024796, MONDO:0007947, OMIM 154700.

Submission:

ClinGen FBN1 Variant Curation Expert Panel, ClinGen
Classification: Pathogenic for Marfan syndrome. Last evaluated: 2022-12-01. Review status: reviewed by expert panel. Criteria: Assertion Criteria VCEP FBN1 Version 1. Collection method: curation. Allele origin: germline. Inheritance: Autosomal dominant inheritance.
Comment: NM00138 c.4149_4154del is a deletion predicted to remove the methionine and glycine at amino acid positions 1384 and 1385, respectively, but is not expected to impact the reading frame (PM4). This variant was found to be confirmed as de novo in a young child with a clinical diagnosis of Marfan syndrome (PP4 and PS2; Universitair Ziekenhuis Antwerpen). This variant is not present in gnomAD v2.1.1 (PM2_supporting). p.Gly1385 is known to be involved in interdomain packaging of the protein, and its deletion may disrupt protein structure and/or function (PM1). This variant has not been reported in the published literature or public databases. In summary, this variant meets criteria to be classified as pathogenic for Marfan syndrome based on the ACMG/AMP criteria applied, as specified by the ClinGen FBN1 VCEP: PS2, PM1, PM4, PP4, PM2_supporting.